The following is an entry in ClinVar:

ClinVar aggregate classification (germline): Uncertain significance (1 of 4 stars; one submission).

Submission:

Labcorp Genetics (formerly Invitae), Labcorp
Classification: Uncertain significance. Last evaluated: 2021-08-12. Review status: criteria provided, single submitter. Criteria: Invitae Variant Classification Sherloc (09022015). Collection method: clinical testing. Allele origin: germline.
Comment: In summary, the available evidence is currently insufficient to determine the role of this variant in disease. Therefore, it has been classified as a Variant of Uncertain Significance. Algorithms developed to predict the effect of missense changes on protein structure and function are either unavailable or do not agree on the potential impact of this missense change (SIFT: "Deleterious"; PolyPhen-2: "Probably Damaging"; Align-GVGD: "Class C0"). This variant has not been reported in the literature in individuals affected with CTNNA1-related conditions. This variant is not present in population databases (ExAC no frequency). This sequence change replaces leucine with proline at codon 630 of the CTNNA1 protein (p.Leu630Pro). The leucine residue is highly conserved and there is a moderate physicochemical difference between leucine and proline.

NM_001903.5(CTNNA1):c.1889T>C (p.Leu630Pro)

Gene: CTNNA1 (catenin alpha 1; plus strand). Cytogenetic location: 5q31.2.
Variant type: single nucleotide variant.
Coding change: c.1889T>C on transcript NM_001903.5 (MANE Select); coding-DNA position 1889, T replaced by C.
Protein change: p.Leu630Pro; replaces leucine 630 with proline.
Molecular consequence: missense variant.
Genome position (GRCh38, 1-based): chr5:138,925,397, T>C. VCF-style: chr5-138925397-T-C. GRCh37 (hg19) VCF-style: chr5-138261086-T-C.
Other names: c.1889T>C, p.Leu630Pro (NM_001290307.3, NM_001323982.2, NM_001323983.1 and 2 more transcripts); c.1580T>C, p.Leu527Pro (NM_001290309.3); c.1520T>C, p.Leu507Pro (NM_001290310.3); c.779T>C, p.Leu260Pro (NM_001290312.1, NM_001323987.1, NM_001323988.1 and 17 more transcripts); c.1796T>C, p.Leu599Pro (NM_001323986.2); c.440T>C, p.Leu147Pro (NM_001324006.1, NM_001324007.1, NM_001324008.1 and 2 more transcripts); c.686T>C, p.Leu229Pro (NM_001324011.1); c.536T>C, p.Leu179Pro (NM_001324012.1, NM_001324013.1); short protein forms L260P, L507P, L229P, L527P, L630P, L147P, L179P, L599P.
Identifiers: ClinVar variation 1374606 (VCV001374606.6), dbSNP rs2150295931, ClinGen allele CA361132431.